The following is an entry in ClinVar:

ClinVar aggregate classification (germline): Uncertain significance (1 of 4 stars; one submission).

Conditions:
HAAO-related disorder. Also called: HAAO-related condition.

Allele frequency attached by ClinVar (database versions not stated): gnomAD 0.00001; gnomAD exomes 0.00002; ExAC 0.00003; TOPMed 0.00004; ESP Exome Variant Server 0.00008.
gnomAD v4.1: 28 of 1,613,884 alleles (0.0017%); highest among the groups gnomAD compares: South Asian, 0.015%; no homozygotes.

Submission:

PreventionGenetics, part of Exact Sciences
Classification: Uncertain significance for HAAO-related condition. Last evaluated: 2023-08-29. Review status: criteria provided, single submitter. Criteria: ACMG Guidelines, 2015. Collection method: clinical testing. Allele origin: germline.
Comment: The HAAO c.658G>A variant is predicted to result in the amino acid substitution p.Glu220Lys. To our knowledge, this variant has not been reported in the literature. This variant is reported in 0.013% of alleles in individuals of South Asian descent in gnomAD. At this time, the clinical significance of this variant is uncertain due to the absence of conclusive functional and genetic evidence.

NM_012205.3(HAAO):c.658G>A (p.Glu220Lys)

Gene: HAAO (3-hydroxyanthranilate 3,4-dioxygenase; minus strand). Cytogenetic location: 2p21.
Variant type: single nucleotide variant.
Coding change: c.658G>A on transcript NM_012205.3 (MANE Select); coding-DNA position 658, G replaced by A.
Protein change: p.Glu220Lys; replaces glutamic acid 220 with lysine.
Molecular consequence: missense variant.
Genome position (GRCh38, 1-based): chr2:42,767,901, C>T on the plus strand (G>A on the coding strand, the complement: HAAO is on the minus strand). VCF-style: chr2-42767901-C-T. GRCh37 (hg19) VCF-style: chr2-42995041-C-T.
Other names: short protein forms E220K.
Identifiers: ClinVar variation 2636229 (VCV002636229.1), dbSNP rs372852437, ClinGen allele CA1630922.